The following is an entry in ClinVar:

NM_001379500.1(COL18A1):c.1736G>A (p.Arg579His)

Gene: COL18A1 (collagen type XVIII alpha 1 chain; plus strand). Cytogenetic location: 21q22.3.
Variant type: single nucleotide variant.
Coding change: c.1736G>A on transcript NM_001379500.1 (MANE Select); coding-DNA position 1736, G replaced by A.
Protein change: p.Arg579His; replaces arginine 579 with histidine.
Molecular consequence: missense variant.
Genome position (GRCh38, 1-based): chr21:45,486,895, G>A. VCF-style: chr21-45486895-G-A. GRCh37 (hg19) VCF-style: chr21-46906809-G-A.
Other names: c.2276G>A, p.Arg759His (NM_030582.4); c.2981G>A, p.Arg994His (NM_130444.3); short protein forms R759H, R994H, R579H.
Identifiers: ClinVar variation 1412132 (VCV001412132.3), dbSNP rs1042525677, ClinGen allele CA321918464.

ClinVar aggregate classification (germline): Uncertain significance (1 of 4 stars; one submission).

Allele frequency attached by ClinVar (database versions not stated): gnomAD 0.00001; gnomAD exomes 0.00001 and 0.00005; TOPMed 0.00003.
gnomAD v4.1: 20 of 1,525,970 alleles (0.0013%); highest among the groups gnomAD compares: Admixed American, 0.012%; no homozygotes.

Submission:

Labcorp Genetics (formerly Invitae), Labcorp
Classification: Uncertain significance. Last evaluated: 2021-05-21. Review status: criteria provided, single submitter. Criteria: Invitae Variant Classification Sherloc (09022015). Collection method: clinical testing. Allele origin: germline.
Comment: This sequence change replaces arginine with histidine at codon 579 of the COL18A1 protein (p.Arg579His). There is a small physicochemical difference between arginine and histidine. The frequency data for this variant in the population databases is considered unreliable, as metrics indicate insufficient coverage at this position in the ExAC database. This variant has not been reported in the literature in individuals with COL18A1-related conditions. Experimental studies and prediction algorithms are not available or were not evaluated, and the functional significance of this variant is currently unknown. In summary, the available evidence is currently insufficient to determine the role of this variant in disease. Therefore, it has been classified as a Variant of Uncertain Significance.